The following is an entry in ClinVar:

ClinVar aggregate classification (germline): Uncertain significance (1 of 4 stars; one submission).

Conditions:
KIF1A-related disorder. Also called: KIF1A-related disorders; KIF1A-related condition.

Allele frequency attached by ClinVar (database versions not stated): gnomAD 0.00001; TOPMed 0.00001.
gnomAD v4.1: 6 of 1,606,216 alleles (0.00037%); highest among the groups gnomAD compares: Admixed American, 0.0017%; no homozygotes.

Submission:

PreventionGenetics, part of Exact Sciences
Classification: Uncertain significance for KIF1A-related condition. Last evaluated: 2023-10-03. Review status: criteria provided, single submitter. Criteria: ACMG Guidelines, 2015. Collection method: clinical testing. Allele origin: germline.
Comment: The KIF1A c.4025A>T variant is predicted to result in the amino acid substitution p.Glu1342Val. To our knowledge, this variant has not been reported in the literature or in a large population database, indicating this variant is rare. At this time, the clinical significance of this variant is uncertain due to the absence of conclusive functional and genetic evidence.

NM_001244008.2(KIF1A):c.4025A>T (p.Glu1342Val)

Gene: KIF1A (kinesin family member 1A; minus strand). Cytogenetic location: 2q37.3.
Variant type: single nucleotide variant.
Coding change: c.4025A>T on transcript NM_001244008.2 (MANE Select); coding-DNA position 4025, A replaced by T.
Protein change: p.Glu1342Val; replaces glutamic acid 1342 with valine.
Molecular consequence: missense variant.
Genome position (GRCh38, 1-based): chr2:240,726,923, T>A on the plus strand (A>T on the coding strand, the complement: KIF1A is on the minus strand). VCF-style: chr2-240726923-T-A. GRCh37 (hg19) VCF-style: chr2-241666340-T-A.
Other names: c.3749A>T, p.Glu1250Val (NM_001320705.2, NM_001379649.1); c.3776A>T, p.Glu1259Val (NM_001330289.2); c.3824A>T, p.Glu1275Val (NM_001330290.2, NM_001379648.1); c.4100A>T, p.Glu1367Val (NM_001379631.1); c.4001A>T, p.Glu1334Val (NM_001379632.1); c.3998A>T, p.Glu1333Val (NM_001379633.1, NM_001379645.1); c.3851A>T, p.Glu1284Val (NM_001379634.1); c.3848A>T, p.Glu1283Val (NM_001379635.1, NM_001379646.1); and 7 more; short protein forms E1240V, E1241V, E1249V, E1250V, E1258V, E1259V, E1266V, E1275V.
Identifiers: ClinVar variation 2633997 (VCV002633997.1), dbSNP rs1465561800, ClinGen allele CA351309735.